The following is an entry in ClinVar:

ClinVar aggregate classification (germline): Uncertain significance (1 of 4 stars; one submission).

Allele frequency attached by ClinVar (database versions not stated): ExAC 0.00003; TOPMed 0.00005; ESP Exome Variant Server 0.00008.
gnomAD v4.1: 7 of 1,579,152 alleles (0.00044%); highest among the groups gnomAD compares: African/African-American, 0.0069%; no homozygotes.

Submission:

Greenwood Genetic Center Diagnostic Laboratories, Greenwood Genetic Center
Classification: Uncertain significance. Last evaluated: 2024-01-02. Review status: criteria provided, single submitter. Criteria: ACMG Guidelines, 2015. Collection method: clinical testing. Allele origin: germline. Affected: yes.
Comment: PM2

NM_014415.4(ZBTB11):c.2177T>A (p.Met726Lys)

Gene: ZBTB11 (zinc finger and BTB domain containing 11; minus strand). Cytogenetic location: 3q12.3.
Variant type: single nucleotide variant.
Coding change: c.2177T>A on transcript NM_014415.4 (MANE Select); coding-DNA position 2177, T replaced by A.
Protein change: p.Met726Lys; replaces methionine 726 with lysine.
Molecular consequence: missense variant.
Genome position (GRCh38, 1-based): chr3:101,656,118, A>T on the plus strand (T>A on the coding strand, the complement: ZBTB11 is on the minus strand). VCF-style: chr3-101656118-A-T. GRCh37 (hg19) VCF-style: chr3-101374962-A-T.
Other names: short protein forms M726K.
Identifiers: ClinVar variation 3235831 (VCV003235831.1), dbSNP rs149242210, ClinGen allele CA2521002.